The following is an entry in ClinVar:

ClinVar aggregate classification (germline): Pathogenic (1 of 4 stars; one submission).

Conditions:
Complex neurodevelopmental disorder with or without congenital anomalies. Identifiers: MedGen CN315647, MONDO:0100465.

Submission:

Genos
Classification: Pathogenic for Complex neurodevelopmental disorder with or without congenital anomalies. Last evaluated: 2026-05-31. Review status: criteria provided, single submitter. Criteria: ACMG Guidelines, 2015. Collection method: clinical testing. Allele origin: de novo. Inheritance: Autosomal dominant inheritance. Affected: yes.
Comment: The variant NM_001256012.3:c.5320G>T, p.(Glu1774Ter) is a nonsense variant predicted to introduce a premature termination codon. This change is expected to result in loss of normal protein function, most likely through nonsense-mediated mRNA decay. Loss-of-function is an established disease mechanism for this gene. The variant is absent from population control databases, including gnomAD v4.1.0. The variant was classified as pathogenic.

NM_001256012.3(MYH10):c.5320G>T (p.Glu1774Ter)

Gene: MYH10 (myosin heavy chain 10; minus strand). Cytogenetic location: 17p13.1.
Variant type: single nucleotide variant.
Coding change: c.5320G>T on transcript NM_001256012.3 (MANE Select); coding-DNA position 5320, G replaced by T.
Protein change: p.Glu1774Ter; replaces glutamic acid 1774 with a stop codon.
Molecular consequence: nonsense.
Genome position (GRCh38, 1-based): chr17:8,480,470, C>A on the plus strand (G>T on the coding strand, the complement: MYH10 is on the minus strand). VCF-style: chr17-8480470-C-A. GRCh37 (hg19) VCF-style: chr17-8383788-C-A.
Other names: c.5254G>T, p.Glu1752Ter (NM_001256095.2); c.5257G>T, p.Glu1753Ter (NM_001375266.1); c.5227G>T, p.Glu1743Ter (NM_005964.5); short protein forms E1743*, E1752*, E1753*, E1774*.
Identifiers: ClinVar variation 4857200 (VCV004857200.1).